The following is an entry in ClinVar:

NM_007294.4(BRCA1):c.5193+4A>C

Gene: BRCA1 (BRCA1 DNA repair associated; minus strand). Cytogenetic location: 17q21.31.
Variant type: single nucleotide variant.
Coding change: c.5193+4A>C on transcript NM_007294.4 (MANE Select); 4 bases into the intron after coding-DNA position 5193, A replaced by C.
Molecular consequence: intron variant.
Genome position (GRCh38, 1-based): chr17:43,063,329, T>G on the plus strand (A>C on the coding strand, the complement: BRCA1 is on the minus strand). VCF-style: chr17-43063329-T-G. GRCh37 (hg19) VCF-style: chr17-41215346-T-G.
Other names: c.1740+4A>C (NM_001408458.1, NM_001408461.1, NM_001408464.1 and 7 more transcripts); c.4302+4A>C (NM_001407967.1); c.4812+4A>C (NM_001407959.1); c.4926+4A>C (NM_001407931.1, NM_001407932.1, NM_001407928.1 and 4 more transcripts); c.5049+4A>C (NM_001407747.1, NM_001407745.1, NM_001407737.1 and 21 more transcripts); c.4809+4A>C (NM_001407962.1, NM_001407960.1); c.1380+4A>C (NM_001408512.1); c.1503+4A>C (NM_001408510.1); and 72 more.
Identifiers: ClinVar variation 868131 (VCV000868131.3), dbSNP rs2051853149, ClinGen allele CA916080036.

Conditions:
Breast-ovarian cancer, familial, susceptibility to, 1 (BROVCA1). Also called: BRCA1 Hereditary Breast and Ovarian Cancer; OVARIAN CANCER, SUSCEPTIBILITY TO. Identifiers: Orphanet 145, MedGen C2676676, MONDO:0011450, OMIM 604370. Disease mechanism: loss of function.

Submission:

Brotman Baty Institute, University of Washington
No classification provided (evidence only). Condition: Breast-ovarian cancer, familial 1. Review status: no classification provided. Collection method: in vitro. Allele origin: not applicable. Functional consequence: functionally_normal.
ClinVar note: "not provided" was previously submitted as the classification for the variant. However, the classification appeared to be based only on an observation of functional data so it was converted to no classification on 2025-07-30.